The following is an entry in ClinVar:

ClinVar aggregate classification (germline): Pathogenic/Likely pathogenic. Review status: criteria provided, multiple submitters, no conflicts (2 of 4 stars). 2 submissions from 2 submitters: Pathogenic (1); Likely pathogenic (1). Last evaluated 2026-01-13.

Conditions:
Fumarase deficiency (FMRD). Also called: Fumarate Hydratase Deficiency; Fumaric aciduria. Identifiers: Orphanet 24, MedGen C0342770, MONDO:0011730, OMIM 606812.

Submissions (2):

Natera, Inc.
Classification: Likely pathogenic for Fumarase Deficiency. Last evaluated: 2026-01-13. Review status: criteria provided, single submitter. Criteria: Natera Variant Classification Schema (03/2026). Collection method: clinical testing. Allele origin: germline.
Comment: The c.905-2A>C variant in FH is a canonical splice acceptor site variant predicted to affect pre-mRNA splicing, which may result in an abnormal transcript and altered protein product. This variant is expected to result in nonsense mediated decay, truncation, or a dysfunctional protein product. This variant is rare in the general population with a frequency below the threshold expected for the associated phenotype(s). Given the available evidence, this variant is classified as Likely Pathogenic.

Labcorp Genetics (formerly Invitae), Labcorp
Classification: Pathogenic. Last evaluated: 2023-11-28. Review status: criteria provided, single submitter. Criteria: Invitae Variant Classification Sherloc (09022015). Collection method: clinical testing. Allele origin: germline.
Comment: This sequence change affects an acceptor splice site in intron 6 of the FH gene. It is expected to disrupt RNA splicing. Variants that disrupt the donor or acceptor splice site typically lead to a loss of protein function (PMID: 16199547), and loss-of-function variants in FH are known to be pathogenic (PMID: 11865300, 21398687). This variant is not present in population databases (gnomAD no frequency). Disruption of this splice site has been observed in individual(s) with clinical features of autosomal dominant leiomyomatosis and/or hereditary leiomyomatosis and renal cell carcinoma (HLRCC) (PMID: 15761418, 30580288). Algorithms developed to predict the effect of sequence changes on RNA splicing suggest that this variant may disrupt the consensus splice site. For these reasons, this variant has been classified as Pathogenic.

Literature cited by the submitters: PubMed 16199547 (cited by Labcorp Genetics (formerly Invitae), Labcorp); PubMed 11865300 (cited by Labcorp Genetics (formerly Invitae), Labcorp); PubMed 21398687 (cited by Labcorp Genetics (formerly Invitae), Labcorp); PubMed 15761418 (cited by Labcorp Genetics (formerly Invitae), Labcorp); PubMed 30580288 (cited by Labcorp Genetics (formerly Invitae), Labcorp).

NM_000143.4(FH):c.905-2A>C

Gene: FH (fumarate hydratase; minus strand). Cytogenetic location: 1q43.
Variant type: single nucleotide variant.
Coding change: c.905-2A>C on transcript NM_000143.4 (MANE Select); the canonical splice acceptor site of the intron before coding-DNA position 905, A replaced by C.
Molecular consequence: splice acceptor variant.
Genome position (GRCh38, 1-based): chr1:241,504,247, T>G on the plus strand (A>C on the coding strand, the complement: FH is on the minus strand). VCF-style: chr1-241504247-T-G. GRCh37 (hg19) VCF-style: chr1-241667547-T-G.
Other names: c.905-2A>C (NM_000143.3).
Identifiers: ClinVar variation 2699515 (VCV002699515.4), dbSNP rs2147916407, ClinGen allele CA345438440.